The following is an entry in ClinVar:

ClinVar aggregate classification (germline): Uncertain significance. Review status: criteria provided, multiple submitters, no conflicts (2 of 4 stars). 2 submissions from 2 submitters: Uncertain significance (2). Last evaluated 2024-09-14.

Conditions:
Hereditary cancer-predisposing syndrome. Also called: Hereditary Cancer Syndrome; Hereditary neoplastic syndrome; Tumor predisposition; Neoplastic Syndromes, Hereditary. Identifiers: Orphanet 140162, MedGen C0027672, MeSH D009386, MONDO:0015356.

Submissions (2):

Labcorp Genetics (formerly Invitae), Labcorp
Classification: Uncertain significance. Last evaluated: 2024-09-14. Review status: criteria provided, single submitter. Criteria: Invitae Variant Classification Sherloc (09022015). Collection method: clinical testing. Allele origin: germline.
Comment: This sequence change replaces isoleucine, which is neutral and non-polar, with methionine, which is neutral and non-polar, at codon 811 of the POLE protein (p.Ile811Met). This variant is not present in population databases (gnomAD no frequency). This variant has not been reported in the literature in individuals affected with POLE-related conditions. ClinVar contains an entry for this variant (Variation ID: 1791192). Invitae Evidence Modeling of protein sequence and biophysical properties (such as structural, functional, and spatial information, amino acid conservation, physicochemical variation, residue mobility, and thermodynamic stability) indicates that this missense variant is expected to disrupt POLE protein function with a positive predictive value of 80%. In summary, the available evidence is currently insufficient to determine the role of this variant in disease. Therefore, it has been classified as a Variant of Uncertain Significance.

Ambry Genetics
Classification: Uncertain significance for Hereditary cancer-predisposing syndrome. Last evaluated: 2023-12-15. Review status: criteria provided, single submitter. Criteria: Ambry Variant Classification Scheme 2023. Collection method: clinical testing. Allele origin: germline.
Comment: The p.I811M variant (also known as c.2433C>G), located in coding exon 21 of the POLE gene, results from a C to G substitution at nucleotide position 2433. The isoleucine at codon 811 is replaced by methionine, an amino acid with highly similar properties. This amino acid position is conserved. In addition, the in silico prediction for this alteration is inconclusive. Since supporting evidence is limited at this time, the clinical significance of this alteration remains unclear.

NM_006231.4(POLE):c.2433C>G (p.Ile811Met)

Gene: POLE (DNA polymerase epsilon, catalytic subunit; minus strand). Cytogenetic location: 12q24.33.
Variant type: single nucleotide variant.
Coding change: c.2433C>G on transcript NM_006231.4 (MANE Select); coding-DNA position 2433, C replaced by G.
Protein change: p.Ile811Met; replaces isoleucine 811 with methionine.
Molecular consequence: missense variant.
Genome position (GRCh38, 1-based): chr12:132,665,337, G>C on the plus strand (C>G on the coding strand, the complement: POLE is on the minus strand). VCF-style: chr12-132665337-G-C. GRCh37 (hg19) VCF-style: chr12-133241923-G-C.
Other names: short protein forms I811M.
Identifiers: ClinVar variation 1791192 (VCV001791192.7), dbSNP rs1256279930, ClinGen allele CA387397063.